The following is an entry in ClinVar:

NM_000243.3(MEFV):c.1382G>C (p.Arg461Pro)

Gene: MEFV (MEFV innate immunity regulator, pyrin; minus strand). Cytogenetic location: 16p13.3.
Variant type: single nucleotide variant.
Coding change: c.1382G>C on transcript NM_000243.3 (MANE Select); coding-DNA position 1382, G replaced by C.
Protein change: p.Arg461Pro; replaces arginine 461 with proline.
Molecular consequence: missense variant.
Genome position (GRCh38, 1-based): chr16:3,247,221, C>G on the plus strand (G>C on the coding strand, the complement: MEFV is on the minus strand). VCF-style: chr16-3247221-C-G. GRCh37 (hg19) VCF-style: chr16-3297221-C-G.
Other names: c.749G>C, p.Arg250Pro (NM_001198536.2); short protein forms R250P, R461P.
Identifiers: ClinVar variation 2115751 (VCV002115751.4), dbSNP rs145637617, ClinGen allele CA394465023.
Genomic context (GRCh38, chr16:3,247,221, plus strand): 5'-ACAAAGAAATGCTCTTGCTGCTCCAGGAAGTAGTACACCTGCTCCAGCTTCCTCTGCACC[C>G]GCTGCTTCAGCGCTTCAGTTTGTTTCTGGGGAGCAGAGGACAGGGAGGTATGGGGGTCTG-3'
Protein context (NP_000234.1, residues 451-471): FLKQTEALKQ[Arg461Pro]VQRKLEQVYY

ClinVar aggregate classification (germline): Uncertain significance (1 of 4 stars; one submission).

Conditions:
Familial Mediterranean fever (FMF). Also called: POLYSEROSITIS, FAMILIAL PAROXYSMAL; POLYSEROSITIS, RECURRENT; Periodic peritonitis; Benign paroxysmal peritonitis. Identifiers: Orphanet 342, MedGen C0031069, MONDO:0018088, OMIM 249100. Disease mechanism: gain of function.

Submission:

Labcorp Genetics (formerly Invitae), Labcorp
Classification: Uncertain significance for Familial Mediterranean fever. Last evaluated: 2022-03-22. Review status: criteria provided, single submitter. Criteria: Invitae Variant Classification Sherloc (09022015). Collection method: clinical testing. Allele origin: germline.
Comment: In summary, the available evidence is currently insufficient to determine the role of this variant in disease. Therefore, it has been classified as a Variant of Uncertain Significance. Algorithms developed to predict the effect of missense changes on protein structure and function are either unavailable or do not agree on the potential impact of this missense change (SIFT: "Deleterious"; PolyPhen-2: "Probably Damaging"; Align-GVGD: "Class C0"). This variant has not been reported in the literature in individuals affected with MEFV-related conditions. This variant is not present in population databases (gnomAD no frequency). This sequence change replaces arginine, which is basic and polar, with proline, which is neutral and non-polar, at codon 461 of the MEFV protein (p.Arg461Pro).